The following is an entry in ClinVar:

ClinVar aggregate classification (germline): Uncertain significance (1 of 4 stars; one submission).

Conditions:
Encephalopathy, acute, infection-induced (herpes-specific), susceptibility to, 1. Also called: Herpes simplex encephalitis, susceptibility to, 1. Identifiers: Orphanet 1930, MedGen C2750180, MONDO:0024563, OMIM 610551.

Allele frequency attached by ClinVar (database versions not stated): gnomAD 0.00001.

Submission:

Labcorp Genetics (formerly Invitae), Labcorp
Classification: Uncertain significance for Encephalopathy, acute, infection-induced (herpes-specific), susceptibility to, 1. Last evaluated: 2019-07-25. Review status: criteria provided, single submitter. Criteria: Invitae Variant Classification Sherloc (09022015). Collection method: clinical testing. Allele origin: germline.
Comment: In summary, the available evidence is currently insufficient to determine the role of this variant in disease. Therefore, it has been classified as a Variant of Uncertain Significance. Algorithms developed to predict the effect of missense changes on protein structure and function (SIFT, PolyPhen-2, Align-GVGD) all suggest that this variant is likely to be disruptive, but these predictions have not been confirmed by published functional studies and their clinical significance is uncertain. This variant has not been reported in the literature in individuals with TLR3-related conditions. This variant is not present in population databases (ExAC no frequency). This sequence change replaces leucine with proline at codon 381 of the TLR3 protein (p.Leu381Pro). The leucine residue is highly conserved and there is a moderate physicochemical difference between leucine and proline.

NM_003265.3(TLR3):c.1142T>C (p.Leu381Pro)

Gene: TLR3 (toll like receptor 3; plus strand). Cytogenetic location: 4q35.1.
Variant type: single nucleotide variant.
Coding change: c.1142T>C on transcript NM_003265.3 (MANE Select); coding-DNA position 1142, T replaced by C.
Protein change: p.Leu381Pro; replaces leucine 381 with proline.
Molecular consequence: missense variant.
Genome position (GRCh38, 1-based): chr4:186,082,828, T>C. VCF-style: chr4-186082828-T-C. GRCh37 (hg19) VCF-style: chr4-187003982-T-C.
Other names: short protein forms L381P.
Identifiers: ClinVar variation 947012 (VCV000947012.10), dbSNP rs2099303771, ClinGen allele CA358931114.
Genomic context (GRCh38, chr4:186,082,828, plus strand): 5'-ACATGGAAGATAATGATATTCCAGGCATAAAAAGCAATATGTTCACAGGATTGATAAACC[T>C]GAAATACTTAAGTCTATCCAACTCCTTTACAAGTTTGCGAACTTTGACAAATGAAACATT-3'
Protein context (NP_003256.1, residues 371-391): KSNMFTGLIN[Leu381Pro]KYLSLSNSFT